The following is an entry in ClinVar:

NM_004960.4(FUS):c.1483C>T (p.Arg495Ter)

Gene: FUS (FUS RNA binding protein; plus strand). Cytogenetic location: 16p11.2.
Variant type: single nucleotide variant.
Coding change: c.1483C>T on transcript NM_004960.4 (MANE Select); coding-DNA position 1483, C replaced by T.
Protein change: p.Arg495Ter; replaces arginine 495 with a stop codon.
Molecular consequence: nonsense. On other transcripts: non-coding transcript variant (1).
Genome position (GRCh38, 1-based): chr16:31,191,052, C>T. VCF-style: chr16-31191052-C-T. GRCh37 (hg19) VCF-style: chr16-31202373-C-T.
Other names: p.Arg495*; c.1480C>T, p.Arg494Ter (NM_001170634.1); c.1471C>T, p.Arg491Ter (NM_001170937.1); short protein forms R495*, R494*, R491*.
Identifiers: ClinVar variation 29707 (VCV000029707.13), dbSNP rs387906627, ClinGen allele CA259631.

ClinVar aggregate classification (germline): Pathogenic. Review status: criteria provided, multiple submitters, no conflicts (2 of 4 stars). 5 submissions from 5 submitters: Pathogenic (4). 1 of the submissions does not count toward it. Last evaluated 2023-06-14.

Conditions:
FUS-related disorder. Also called: FUS-related condition.
Tremor, hereditary essential, 4 (ETM4). Identifiers: MedGen C3539195, MONDO:0013888, OMIM 614782.
Amyotrophic lateral sclerosis type 6. Also called: FUS-Related Amyotrophic Laterial Sclerosis; Amyotrophic lateral sclerosis 6, with or without frontotemporal dementia; AMYOTROPHIC LATERAL SCLEROSIS 6 WITHOUT FRONTOTEMPORAL DEMENTIA. Identifiers: Orphanet 275872, Orphanet 803, MedGen C2931786, MONDO:0011951, OMIM 608030.

Allele frequency attached by ClinVar (database versions not stated): gnomAD exomes 0.00001.

Submissions (5):

Labcorp Genetics (formerly Invitae), Labcorp
Classification: Pathogenic for Tremor, hereditary essential, 4; Amyotrophic lateral sclerosis type 6. Last evaluated: 2023-06-14. Review status: criteria provided, single submitter. Criteria: Invitae Variant Classification Sherloc (09022015). Collection method: clinical testing. Allele origin: germline.
Comment: For these reasons, this variant has been classified as Pathogenic. This sequence change creates a premature translational stop signal (p.Arg495*) in the FUS gene. It is expected to result in an absent or disrupted protein product. Loss-of-function variants in FUS are known to be pathogenic (PMID: 20660363, 23217123). This variant is present in population databases (rs387906627, gnomAD 0.01%). This premature translational stop signal has been observed in individual(s) with amyotrophic lateral sclerosis (PMID: 20660363, 25457557, 30507891, 31682085). ClinVar contains an entry for this variant (Variation ID: 29707).

Blueprint Genetics
Classification: Pathogenic for FUS-related disorders. Last evaluated: 2023-01-24. Review status: criteria provided, single submitter. Criteria: ACMG Guidelines, 2015. Collection method: clinical testing. Allele origin: germline. Affected: yes. Observed: 1 variant allele.

Mayo Clinic Laboratories, Mayo Clinic
Classification: Pathogenic. Last evaluated: 2021-04-05. Review status: criteria provided, single submitter. Criteria: ACMG Guidelines, 2015. Collection method: clinical testing. Allele origin: germline.
Comment: PS3, PS4_moderate, PM2, PM6, PP1

Illumina Laboratory Services, Illumina
Classification: Pathogenic for Amyotrophic lateral sclerosis type 6. Last evaluated: 2019-10-31. Review status: criteria provided, single submitter. Criteria: ICSLVariantClassificationCriteria RUGD 01 April 2020. Collection method: clinical testing. Allele origin: unknown.
Comment: The FUS c.1483C>T (p.Arg495Ter) variant is a stop-gained variant that is predicted to result in a premature termination of the protein. This variant has been reported in at least eight studies, in which it was identified in a heterozygous state in 14 individuals with amyotrophic lateral sclerosis (ALS) (Bosco et al. 2010; Waibel et al. 2010; Yan et al. 2010; Zou et al. 2013; Calvo et al. 2014; Kim et al 2015; King et al. 2015; Dodd et al. 2019). These cases were either familial or sporadic and the variant was presumed to have occurred de novo in two cases (Calvo et al. 2014; Kim et al 2015). Across the cases, the onset of disease was predominantly bulbar and in three familial cases, the age of disease onset ranged from 14 to 59 years (Bosco et al. 2010; Waibel et al. 2010; Yan et al. 2010). The p.Arg495Ter variant was absent from 622 controls (Yan et al. 2010), but is reported at a frequency of 0.000008 in the total population of the Genome Aggregation Database, but this is based on two alleles only in a region of good sequence coverage so the variant is presumed to be rare. Overexpression of variant p.Arg495Ter protein in HEK293 cells and differentiated neurons showed a predominantly cytoplasmic localization of the variant protein and an association with stress granules when under oxidative stress when compared to the wild type protein which localized to the nucleus (Bosco et al. 2010; Nakaya et al. 2018). Consistent with the overexpression studies, a marked increase in cytoplasmic localization compared to the nucleus was also observed in fibroblasts from an affected individual carrying the p.Arg495Ter variant in a heterozygous state (Lim et al. 2016). Interestingly, a transgenic p.Arg495Ter mouse line displayed no obvious signs of an ALS-like phenotype, although a higher burden of cytoplasmic p.Arg495Ter protein was noted in the motor neurons of the spinal cord (Tibshirani et al. 2015). The p.Arg495Ter variant is located within the penultimate exon and removes the nuclear localization signal from the C-terminus of the FUS protein (Bosco et al. 2010). Based on the collective evidence, the p.Arg495Ter variant is classified as pathogenic for amyotrophic lateral sclerosis.

OMIM
Classification: Pathogenic for AMYOTROPHIC LATERAL SCLEROSIS 6 WITHOUT FRONTOTEMPORAL DEMENTIA. Last evaluated: 2010-08-31. Review status: no assertion criteria provided. Collection method: literature only. Allele origin: germline. Not counted in ClinVar's aggregate classification.

Literature cited by the submitters: PubMed 20660363 (cited by 4 submitters); PubMed 23217123 (cited by Labcorp Genetics (formerly Invitae), Labcorp and Mayo Clinic Laboratories, Mayo Clinic); PubMed 25457557 (cited by 3 submitters); PubMed 30507891 (cited by Labcorp Genetics (formerly Invitae), Labcorp and Mayo Clinic Laboratories, Mayo Clinic); PubMed 31682085 (cited by Labcorp Genetics (formerly Invitae), Labcorp and Mayo Clinic Laboratories, Mayo Clinic); PubMed 23545117 (cited by Mayo Clinic Laboratories, Mayo Clinic); PubMed 25525159 (cited by Mayo Clinic Laboratories, Mayo Clinic); PubMed 30455313 (cited by Mayo Clinic Laboratories, Mayo Clinic); PubMed 30349096 (cited by Mayo Clinic Laboratories, Mayo Clinic and Illumina Laboratory Services, Illumina); PubMed 30879340 (cited by Mayo Clinic Laboratories, Mayo Clinic and Illumina Laboratory Services, Illumina); PubMed 26795035 (cited by Mayo Clinic Laboratories, Mayo Clinic and Illumina Laboratory Services, Illumina); PubMed 24439481 (cited by Mayo Clinic Laboratories, Mayo Clinic and Illumina Laboratory Services, Illumina); PubMed 20668259 (cited by Illumina Laboratory Services, Illumina and OMIM); PubMed 20699327 (cited by Illumina Laboratory Services, Illumina and OMIM); PubMed 23046859 (cited by Illumina Laboratory Services, Illumina); PubMed 25274782 (cited by Illumina Laboratory Services, Illumina); PubMed 26452761 (cited by Illumina Laboratory Services, Illumina).